The following is an entry in ClinVar:

NM_004525.3(LRP2):c.1167T>G (p.Asp389Glu)

Gene: LRP2 (LDL receptor related protein 2; minus strand). Cytogenetic location: 2q31.1.
Variant type: single nucleotide variant.
Coding change: c.1167T>G on transcript NM_004525.3 (MANE Select); coding-DNA position 1167, T replaced by G.
Protein change: p.Asp389Glu; replaces aspartic acid 389 with glutamic acid.
Molecular consequence: missense variant.
Genome position (GRCh38, 1-based): chr2:169,282,877, A>C on the plus strand (T>G on the coding strand, the complement: LRP2 is on the minus strand). VCF-style: chr2-169282877-A-C. GRCh37 (hg19) VCF-style: chr2-170139387-A-C.
Other names: p.Asp389Glu; short protein forms D389E.
Identifiers: ClinVar variation 129494 (VCV000129494.23), dbSNP rs111704488, ClinGen allele CA153541.

ClinVar aggregate classification (germline): Benign. Review status: criteria provided, multiple submitters, no conflicts (2 of 4 stars). 7 submissions from 7 submitters: Benign (6). 1 of the submissions does not count toward it. Last evaluated 2026-02-04.

Conditions:
Donnai-Barrow syndrome. Also called: DBS/FOAR SYNDROME; FACIOOCULOACOUSTICORENAL SYNDROME. Identifiers: Orphanet 2143, MedGen C1857277, MONDO:0009104, OMIM 222448.

Allele frequency attached by ClinVar (database versions not stated): gnomAD exomes 0.00228; ExAC 0.00261; gnomAD 0.00892 and 0.00952; ESP Exome Variant Server 0.00930; 1000 Genomes Project 0.01018; TOPMed 0.01026; 1000 Genomes Project 30x 0.01062.
gnomAD v4.1: 2,628 of 1,613,916 alleles (0.16%); highest among the groups gnomAD compares: African/African-American, 3%; 32 homozygotes.

Submissions (7):

Labcorp Genetics (formerly Invitae), Labcorp
Classification: Benign. Last evaluated: 2026-02-04. Review status: criteria provided, single submitter. Criteria: Invitae Variant Classification Sherloc (09022015). Collection method: clinical testing. Allele origin: germline.

Mayo Clinic Laboratories, Mayo Clinic
Classification: Benign. Last evaluated: 2025-06-20. Review status: criteria provided, single submitter. Criteria: ACMG Guidelines, 2015. Collection method: clinical testing. Allele origin: germline. Observed: 1 variant allele.
Comment: BS1, BS2, BP4_moderate

Genome-Nilou Lab
Classification: Benign for Donnai-Barrow syndrome. Last evaluated: 2021-07-15. Review status: criteria provided, single submitter. Criteria: ACMG Guidelines, 2015. Collection method: clinical testing. Allele origin: germline. Affected: no.

Illumina Laboratory Services, Illumina
Classification: Benign for Donnai-Barrow syndrome. Last evaluated: 2018-01-13. Review status: criteria provided, single submitter. Criteria: ICSL Variant Classification Criteria 13 December 2019. Collection method: clinical testing. Allele origin: germline.
Comment: This variant was observed in the ICSL laboratory as part of a predisposition screen in an ostensibly healthy population. It had not been previously curated by ICSL or reported in the Human Gene Mutation Database (HGMD: prior to June 1st, 2018), and was therefore a candidate for classification through an automated scoring system. Utilizing variant allele frequency, disease prevalence and penetrance estimates, and inheritance mode, an automated score was calculated to assess if this variant is too frequent to cause the disease. Based on the score and internal cut-off values, a variant classified as benign is not then subjected to further curation. The score for this variant resulted in a classification of benign for this disease.

Center for Pediatric Genomic Medicine, Children's Mercy Hospital and Clinics
Classification: Benign. Last evaluated: 2015-06-04. Review status: criteria provided, single submitter. Criteria: ACMG Guidelines, 2015. Collection method: clinical testing. Allele origin: germline.

Breakthrough Genomics
Classification: Benign. Review status: criteria provided, single submitter. Criteria: ACMG Guidelines, 2015. Collection method: not provided. Allele origin: germline. Inheritance: Autosomal recessive inheritance. Affected: yes.

Genetic Services Laboratory, University of Chicago
Classification: Likely benign for AllHighlyPenetrant. Review status: no assertion criteria provided. Collection method: clinical testing. Allele origin: germline. Inheritance: Autosomal recessive inheritance. Not counted in ClinVar's aggregate classification.
Comment: Likely benign based on allele frequency in 1000 Genomes Project or ESP global frequency and its presence in a patient with a rare or unrelated disease phenotype. NOT Sanger confirmed.